The following is an entry in ClinVar:

NM_000051.4(ATM):c.9162T>G (p.Ala3054=)

Genes: ATM (ATM serine/threonine kinase; plus strand), C11orf65 (chromosome 11 open reading frame 65; minus strand). Cytogenetic location: 11q22.3.
Variant type: single nucleotide variant.
Coding change: c.9162T>G on transcript NM_000051.4 (MANE Select); coding-DNA position 9162, T replaced by G.
Protein change: p.Ala3054=; no amino-acid change (alanine 3054 retained).
Molecular consequence: synonymous variant. On other transcripts: intron variant (2).
Genome position (GRCh38, 1-based): chr11:108,365,499, T>G. VCF-style: chr11-108365499-T-G. GRCh37 (hg19) VCF-style: chr11-108236226-T-G.
Other names: c.9162T>G, p.Ala3054= (NM_001351834.2); c.640+20421A>C (NM_001330368.2); c.694+20421A>C (NM_001351110.2).
Identifiers: ClinVar variation 3253839 (VCV003253839.1), dbSNP rs1357804007.

ClinVar aggregate classification (germline): Benign (1 of 4 stars; one submission).

Conditions:
Familial cancer of breast. Also called: hereditary breast carcinoma; BREAST CANCER, FAMILIAL; Hereditary breast cancer. Identifiers: Orphanet 227535, MedGen C0346153, MONDO:0016419, OMIM 114480. Disease mechanism: loss of function.

Allele frequency attached by ClinVar (database versions not stated): TOPMed below 0.00001; gnomAD 0.00001.
gnomAD v4.1: 1 of 1,614,042 alleles (0.000062%); highest among the groups gnomAD compares: Non-Finnish European, 0.000085%; no homozygotes.

Submission:

Myriad Genetics, Inc.
Classification: Benign for Familial cancer of breast. Last evaluated: 2024-06-25. Review status: criteria provided, single submitter. Criteria: Myriad Autosomal Dominant, Autosomal Recessive and X-Linked Classification Criteria (2023). Collection method: clinical testing. Allele origin: unknown.
Comment: This variant is considered benign. This variant is a silent/synonymous amino acid change and it is not expected to impact splicing.